The following is an entry in ClinVar:

NM_005005.3(NDUFB9):c.294+5G>T

Gene: NDUFB9 (NADH:ubiquinone oxidoreductase subunit B9; plus strand). Cytogenetic location: 8q24.13.
Variant type: single nucleotide variant.
Coding change: c.294+5G>T on transcript NM_005005.3 (MANE Select); 5 bases into the intron after coding-DNA position 294, G replaced by T.
Molecular consequence: intron variant.
Genome position (GRCh38, 1-based): chr8:124,543,284, G>T. VCF-style: chr8-124543284-G-T. GRCh37 (hg19) VCF-style: chr8-125555525-G-T.
Other names: c.165+5G>T (NM_001278646.2); c.261+5G>T (NM_001311168.2); c.126+5G>T (NM_001278645.2).
Identifiers: ClinVar variation 427000 (VCV000427000.3), dbSNP rs1085307890, ClinGen allele CA645294048.

ClinVar aggregate classification (germline): Uncertain significance. Review status: criteria provided, multiple submitters, no conflicts (2 of 4 stars). 2 submissions from 2 submitters: Uncertain significance (2). Last evaluated 2024-10-09.

Conditions:
Mitochondrial complex I deficiency, nuclear type 24. Also called: Mitochondrial complex 1 deficiency, nuclear type 24. Identifiers: MedGen C4748803, MONDO:0032628, OMIM 618245.

gnomAD v4.1: 1 of 1,612,216 alleles (0.000062%); highest among the groups gnomAD compares: South Asian, 0.0011%; no homozygotes.

Submissions (2):

Victorian Clinical Genetics Services, Murdoch Childrens Research Institute
Classification: Uncertain significance for Mitochondrial complex I deficiency, nuclear type 24. Last evaluated: 2024-10-09. Review status: criteria provided, single submitter. Criteria: ACMG Guidelines, 2015. Collection method: clinical testing. Allele origin: germline. Inheritance: Autosomal recessive inheritance. Affected: yes.
Comment: Based on the classification scheme VCGS_Germline_v1.3.4, this variant is classified as VUS-3B. Following criteria are met: 0102 - Loss of function is a reported mechanism of disease in this gene in association with mitochondrial complex I deficiency, nuclear type 24 (MIM#618245; PMID: 22200994); however, the gene-disease association has not been well established (PanelApp Australia). (I) 0106 - This gene has been reported in association with autosomal recessive disease (PMIDs: 22200994, 38129218); however, the gene-disease association has not been well established (PanelApp Australia). (I) 0212 - Non-canonical splice site variant without proven consequence on splicing (no functional evidence available). (SP) 0252 - This variant is homozygous. (I) 0301 - Variant is absent from gnomAD (both v2 and v3). (SP) 0508 - In silico predictions for abnormal splicing are inconclusive. (I) 0705 - No comparable splice site variants have previous evidence for pathogenicity. (I) 0809 - Previous evidence of pathogenicity for this variant is inconclusive. It has been identified by a clinical testing laboratory as homozygous in an individual with intrauterine growth restriction, oligohydramnios, left ventricular hypertrophy, infantile spasms, elevated lactate and poor feeding, and has been reclassified as a VUS, with NDUFB9 considered to be a candidate (novel) gene (ClinVar, personal communication with GeneDx). (I) 0905 - No published segregation evidence has been identified for this variant. (I) 1007 - No published functional evidence has been identified for this variant. (I) Legend: (SP) - Supporting pathogenic, (I) - Information, (SB) - Supporting benign

GeneDx
Classification: Uncertain significance. Last evaluated: 2018-03-29. Review status: criteria provided, single submitter. Criteria: GeneDx Variant Classification Process June 2021. Collection method: clinical testing. Allele origin: germline. Affected: yes.
Comment: Not observed at significant frequency in large population cohorts (gnomAD); In silico analysis is inconclusive as to whether the variant alters gene splicing. In the absence of RNA/functional studies, the actual effect of this sequence change is unknown.; Variants in candidate genes are classified as variants of uncertain significance in accordance with ACMG guidelines (PMID: 25741868); Has not been previously reported as pathogenic or benign to our knowledge

Literature cited by the submitters: PubMed 22200994 (cited by Victorian Clinical Genetics Services, Murdoch Childrens Research Institute); PubMed 38129218 (cited by Victorian Clinical Genetics Services, Murdoch Childrens Research Institute).